The following is an entry in ClinVar:

NC_000009.12:g.97793827A>G

Gene: PTCSC2 (papillary thyroid carcinoma susceptibility candidate 2; minus strand). Cytogenetic location: 9q22.33.
Variant type: single nucleotide variant.
Genome position: GRCh38 VCF-style: chr9-97793827-A-G. GRCh37 (hg19) VCF-style: chr9-100556109-A-G.
Identifiers: ClinVar variation 4077164 (VCV004077164.1).
Genomic context (GRCh38, chr9:97,793,827, plus strand): 5'-GTGATGGTATGGTCATGGACATGACAAAGGTAATGAGTGGCTGGAATGGAACAGATCAAA[A>G]GAGTAAATTAAAAAGAAGATGTATTAGTCTGTTCTCACAATGCTAACAAAGACATAACCT-3'

ClinVar aggregate classification (germline): Established risk allele (1 of 4 stars; one submission).

Conditions:
Thyroid cancer, nonmedullary, 1. Identifiers: MedGen C4721429, MONDO:0008567, OMIM 188550.

Submission:

Department of Endocrinology, Chaohu Hospital of Anhui Medical University
Classification: Established risk allele for Thyroid cancer, nonmedullary, 1. Last evaluated: 2025-08-28. Review status: criteria provided, single submitter. Criteria: Schmidt et al. (Genet Med. 2024). Collection method: clinical testing. Allele origin: germline. Inheritance: Oligogenic inheritance. Affected: yes. Observed: 50 variant alleles, 48 heterozygotes, 2 homozygotes. Clinical features observed: Papillary thyroid carcinoma (HP:0002895), Thyroid nodule (HP:0025388).
Comment: The classification of the A allele of rs965513 as an 'established risk allele' for papillary thyroid carcinoma is based on consistent evidence from multiple sources: (a) Case-Control Data: In our cohort, the frequency of the A allele was significantly higher in the papillary thyroid carcinoma patient group (13.3%) compared to the control group (5.9%). (b) Replicated Association: This association has been consistently replicated in multiple large-scale genome-wide association studies (GWAS) across diverse populations, establishing it as a well-known risk locus for the disease (e.g., Gudmundsson 2009, Jones 2012, Tcheandjieu 2016, Owens 2021). (c) Database Records: This variant is curated as a risk allele in authoritative public databases such as the GWAS Catalog and dbSNP. The strength, consistency, and reproducibility of the association evidence across multiple studies and in our own data meet the criteria for an 'established risk allele' as defined by the ClinGen Risk Allele Working Group recommendations (PMID: 38054408).

Literature cited by the submitters: PubMed 22282540; PubMed 26991144; PubMed 19198613; PubMed 37435181.